The following is an entry in ClinVar:

ClinVar aggregate classification (germline): Likely benign (1 of 4 stars; one submission).

Allele frequency attached by ClinVar (database versions not stated): gnomAD 0.00500; 1000 Genomes Project 0.00599; 1000 Genomes Project 30x 0.00625.
gnomAD v4.1: 1,182 of 947,912 alleles (0.12%); highest among the groups gnomAD compares: African/African-American, 1.8%; 12 homozygotes.

Submission:

GeneDx
Classification: Likely benign. Last evaluated: 2020-09-15. Review status: criteria provided, single submitter. Criteria: GeneDx Variant Classification Process June 2021. Collection method: clinical testing. Allele origin: germline. Affected: yes.
Comment: See Variant Classification Assertion Criteria.

NM_001136271.3(NKX2-6):c.274+135A>G

Gene: NKX2-6 (NK2 homeobox 6; minus strand). Cytogenetic location: 8p21.2.
Variant type: single nucleotide variant.
Coding change: c.274+135A>G on transcript NM_001136271.3 (MANE Select); 135 bases into the intron after coding-DNA position 274, A replaced by G.
Molecular consequence: intron variant.
Genome position (GRCh38, 1-based): chr8:23,706,190, T>C on the plus strand (A>G on the coding strand, the complement: NKX2-6 is on the minus strand). VCF-style: chr8-23706190-T-C. GRCh37 (hg19) VCF-style: chr8-23563703-T-C.
Identifiers: ClinVar variation 1707287 (VCV001707287.2), dbSNP rs144684093, ClinGen allele CA174011336.
Genomic context (GRCh38, chr8:23,706,190, plus strand): 5'-GGGTGTGTGAAGCACACTGGGTGTCAGGAGAGGATGGGAATGGGATTCGAGAGGCCTTTT[T>C]TTGGACTCCTCGAGAGAAAATGGAGAGAGTCTCGAACCCAGGAGATAGGAGGCGTATTTT-3'